The following is an entry in ClinVar:

NM_006947.4(SRP72):c.511C>T (p.Leu171Phe)

Gene: SRP72 (signal recognition particle 72; plus strand). Cytogenetic location: 4q12.
Variant type: single nucleotide variant.
Coding change: c.511C>T on transcript NM_006947.4 (MANE Select); coding-DNA position 511, C replaced by T.
Protein change: p.Leu171Phe; replaces leucine 171 with phenylalanine.
Molecular consequence: missense variant. On other transcripts: non-coding transcript variant (1).
Genome position (GRCh38, 1-based): chr4:56,474,292, C>T. VCF-style: chr4-56474292-C-T. GRCh37 (hg19) VCF-style: chr4-57340458-C-T.
Other names: c.511C>T, p.Leu171Phe (NM_001267722.2); c.511C>T (NM_006947.3); short protein forms L171F.
Identifiers: ClinVar variation 1477139 (VCV001477139.7), dbSNP rs75269590, ClinGen allele CA97588537.
Genomic context (GRCh38, chr4:56,474,292, plus strand): 5'-AATTATTATTCATATTTAGTATTTAACTGGTATTTTGTCCCCTGACAGGAGAACCTGGGC[C>T]TCCAAGAAGGCACACATGAGCTGTGCTACAACACTGCATGTGCACTGATAGGCCAAGGCC-3'
Protein context (NP_008878.3, residues 161-181): WEKVVPENLG[Leu171Phe]QEGTHELCYN

ClinVar aggregate classification (germline): Uncertain significance. Review status: criteria provided, multiple submitters, no conflicts (2 of 4 stars). 2 submissions from 2 submitters: Uncertain significance (2). Last evaluated 2025-02-08.

Allele frequency attached by ClinVar (database versions not stated): gnomAD 0.00001; gnomAD exomes 0.00001; TOPMed 0.00002.
gnomAD v4.1: 5 of 1,613,780 alleles (0.00031%); highest among the groups gnomAD compares: African/African-American, 0.0027%; no homozygotes.

Submissions (2):

Ambry Genetics
Classification: Uncertain significance. Last evaluated: 2025-02-08. Review status: criteria provided, single submitter. Criteria: Ambry Variant Classification Scheme 2023. Collection method: clinical testing. Allele origin: germline.
Comment: The p.L171F variant (also known as c.511C>T), located in coding exon 5 of the SRP72 gene, results from a C to T substitution at nucleotide position 511. The leucine at codon 171 is replaced by phenylalanine, an amino acid with highly similar properties. This amino acid position is conserved. In addition, this alteration is predicted to be tolerated by in silico analysis. Based on the available evidence, the clinical significance of this variant remains unclear.

Labcorp Genetics (formerly Invitae), Labcorp
Classification: Uncertain significance. Last evaluated: 2021-11-01. Review status: criteria provided, single submitter. Criteria: Invitae Variant Classification Sherloc (09022015). Collection method: clinical testing. Allele origin: germline.
Comment: The frequency data for this variant in the population databases is considered unreliable, as metrics indicate poor data quality at this position in the gnomAD database. In summary, the available evidence is currently insufficient to determine the role of this variant in disease. Therefore, it has been classified as a Variant of Uncertain Significance. Algorithms developed to predict the effect of missense changes on protein structure and function output the following: SIFT: "Tolerated"; PolyPhen-2: "Benign"; Align-GVGD: "Class C0". The phenylalanine amino acid residue is found in multiple mammalian species, which suggests that this missense change does not adversely affect protein function. This variant has not been reported in the literature in individuals affected with SRP72-related conditions. This sequence change replaces leucine, which is neutral and non-polar, with phenylalanine, which is neutral and non-polar, at codon 171 of the SRP72 protein (p.Leu171Phe).